The following is an entry in ClinVar:

NM_000214.3(JAG1):c.1303_1304dup (p.Cys436fs)

Gene: JAG1 (jagged canonical Notch ligand 1; minus strand). Cytogenetic location: 20p12.2.
Variant type: Duplication.
Coding change: c.1303_1304dup on transcript NM_000214.3 (MANE Select); coding-DNA positions 1303 to 1304, 2 bases duplicated (TA; older notation c.1303_1304dupTA).
Protein change: p.Cys436fs; shifts the reading frame from cysteine 436.
Molecular consequence: frameshift variant.
Genome position (GRCh38, 1-based): chr20:10,649,566-10,649,567, TA duplicated on the plus strand (TA on the coding strand, the reverse complement: JAG1 is on the minus strand). VCF-style (leftmost placement, unchanged base first): chr20-10649565-G-GTA. GRCh37 (hg19) VCF-style: chr20-10630213-G-GTA.
Other names: short protein forms C436fs.
Identifiers: ClinVar variation 1705664 (VCV001705664.1), dbSNP rs2514518351, ClinGen allele CA2580097907.

ClinVar aggregate classification (germline): Likely pathogenic (1 of 4 stars; one submission).

Conditions:
Alagille syndrome due to a JAG1 point mutation. Also called: HEPATIC DUCTULAR HYPOPLASIA, SYNDROMATIC; JAG1-Related Alagille Syndrome; Alagille Syndrome 1. Identifiers: Orphanet 261619, Orphanet 52, MedGen C1956125, MONDO:0016862, OMIM 118450.

Submission:

3billion
Classification: Likely pathogenic for Alagille syndrome due to a JAG1 point mutation. Last evaluated: 2022-09-01. Review status: criteria provided, single submitter. Criteria: ACMG Guidelines, 2015. Collection method: clinical testing. Allele origin: germline. Affected: yes. Observed: 1 heterozygote.
Comment: The variant is not observed in the gnomAD v2.1.1 dataset. Frameshift variant is predicted to result in a loss or disruption of normal protein function through nonsense-mediated decay (NMD) or protein truncation. Multiple pathogenic variants are reported downstream of the variant. Therefore, this variant is classified as Likely pathogenic according to the recommendation of ACMG/AMP guideline.